The following is an entry in ClinVar:

ClinVar aggregate classification (germline): Uncertain significance. Review status: criteria provided, multiple submitters, no conflicts (2 of 4 stars). 4 submissions from 4 submitters: Uncertain significance (4). Last evaluated 2026-02-02.

Conditions:
Ullrich congenital muscular dystrophy 2 (UCMD2). Identifiers: Orphanet 75840, MedGen C4225314, MONDO:0014654, OMIM 616470.
Bethlem myopathy 2 (BTHLM2). Identifiers: Orphanet 536516, Orphanet 610, MedGen C4225313, MONDO:0034022, OMIM 616471.

Allele frequency attached by ClinVar (database versions not stated): gnomAD exomes 0.00002 and 0.00006; TOPMed 0.00003; gnomAD 0.00005.
gnomAD v4.1: 96 of 1,613,686 alleles (0.0059%); highest among the groups gnomAD compares: Non-Finnish European, 0.0073%; no homozygotes.

Submissions (4):

Women's Health and Genetics/Laboratory Corporation of America, LabCorp
Classification: Uncertain significance. Last evaluated: 2026-02-02. Review status: criteria provided, single submitter. Criteria: LabCorp Variant Classification Summary - May 2015. Collection method: clinical testing. Allele origin: germline.
Comment: Variant summary: COL12A1 c.3899C>T (p.Ala1300Val) results in a non-conservative amino acid change in the encoded protein sequence. Algorithms developed to predict the effect of missense changes on protein structure and function are either unavailable or do not agree on the potential impact of this missense change. The variant allele was found at a frequency of 2e-05 in 249224 control chromosomes. The available data on variant occurrences in the general population are insufficient to allow any conclusion about variant significance. To our knowledge, no occurrence of c.3899C>T in individuals affected with COL12A1-related conditions and no experimental evidence demonstrating its impact on protein function have been reported. ClinVar contains an entry for this variant (Variation ID: 568941). Based on the evidence outlined above, the variant was classified as uncertain significance.

Labcorp Genetics (formerly Invitae), Labcorp
Classification: Uncertain significance for Bethlem myopathy 2; Ullrich congenital muscular dystrophy 2. Last evaluated: 2025-12-15. Review status: criteria provided, single submitter. Criteria: Invitae Variant Classification Sherloc (09022015). Collection method: clinical testing. Allele origin: germline.
Comment: This sequence change replaces alanine, which is neutral and non-polar, with valine, which is neutral and non-polar, at codon 1300 of the COL12A1 protein (p.Ala1300Val). The frequency data for this variant in the population databases is considered unreliable, as metrics indicate poor data quality at this position in the gnomAD database. This variant has not been reported in the literature in individuals affected with COL12A1-related conditions. ClinVar contains an entry for this variant (Variation ID: 568941). Invitae Evidence Modeling of protein sequence and biophysical properties (such as structural, functional, and spatial information, amino acid conservation, physicochemical variation, residue mobility, and thermodynamic stability) indicates that this missense variant is not expected to disrupt COL12A1 protein function with a negative predictive value of 80%. In summary, the available evidence is currently insufficient to determine the role of this variant in disease. Therefore, it has been classified as a Variant of Uncertain Significance.

Revvity Omics, Revvity
Classification: Uncertain significance. Last evaluated: 2025-03-28. Review status: criteria provided, single submitter. Criteria: ACMG Guidelines, 2015. Collection method: clinical testing. Allele origin: germline.

GeneDx
Classification: Uncertain significance. Last evaluated: 2021-03-02. Review status: criteria provided, single submitter. Criteria: GeneDx Variant Classification Process June 2021. Collection method: clinical testing. Allele origin: germline. Affected: yes.
Comment: Has not been previously published as pathogenic or benign to our knowledge; In silico analysis supports that this missense variant does not alter protein structure/function; Reported in ClinVar as a variant of uncertain significance (ClinVar Variant ID# 568941; Landrum et al., 2016)

NM_004370.6(COL12A1):c.3899C>T (p.Ala1300Val)

Gene: COL12A1 (collagen type XII alpha 1 chain; minus strand). Cytogenetic location: 6q13.
Variant type: single nucleotide variant.
Coding change: c.3899C>T on transcript NM_004370.6 (MANE Select); coding-DNA position 3899, C replaced by T.
Protein change: p.Ala1300Val; replaces alanine 1300 with valine.
Molecular consequence: missense variant.
Genome position (GRCh38, 1-based): chr6:75,151,968, G>A on the plus strand (C>T on the coding strand, the complement: COL12A1 is on the minus strand). VCF-style: chr6-75151968-G-A. GRCh37 (hg19) VCF-style: chr6-75861684-G-A.
Other names: c.407C>T, p.Ala136Val (NM_080645.3); short protein forms A1300V, A136V.
Identifiers: ClinVar variation 568941 (VCV000568941.12), dbSNP rs199757996, ClinGen allele CA141004760.
Genomic context (GRCh38, chr6:75,151,968, plus strand): 5'-GAAGGTGCTTCAACATCGTCTTGTGATTTTCCATCAGTAATGAGCACACCAATTTTTCGA[G>A]CTCGAGGTCTCATGCCAGCTTGGGTCCTGAAGTTCTGTTGGCGAATGAAATTCAAAGCCA-3'
Protein context (NP_004361.3, residues 1290-1310): FRTQAGMRPR[Ala1300Val]RKIGVLITDG